The following is an entry in ClinVar:

ClinVar aggregate classification (germline): Uncertain significance. Review status: criteria provided, multiple submitters, no conflicts (2 of 4 stars). 4 submissions from 4 submitters: Uncertain significance (3). 1 of the submissions does not count toward it. Last evaluated 2023-10-26.

Conditions:
Familial dysautonomia. Also called: FD; HSAN III. Identifiers: Orphanet 1764, MedGen C0013364, MONDO:0009131, OMIM 223900. Disease mechanism: loss of function.
Medulloblastoma (MDB). Also called: Medulloblastoma, somatic; MEDULLOBLASTOMA PREDISPOSITION SYNDROME. Identifiers: Orphanet 616, MedGen C0025149, MeSH D008527, MONDO:0007959, OMIM 155255, HP:0002885.

Allele frequency attached by ClinVar (database versions not stated): gnomAD 0.00001; gnomAD exomes 0.00001; TOPMed 0.00001.
gnomAD v4.1: 8 of 1,608,528 alleles (0.0005%); highest among the groups gnomAD compares: Non-Finnish European, 0.00068%; no homozygotes.

Submissions (4):

Ambry Genetics
Classification: Uncertain significance. Last evaluated: 2023-10-26. Review status: criteria provided, single submitter. Criteria: Ambry Variant Classification Scheme 2023. Collection method: clinical testing. Allele origin: germline.
Comment: The p.I936V variant (also known as c.2806A>G), located in coding exon 25 of the IKBKAP gene, results from an A to G substitution at nucleotide position 2806. The isoleucine at codon 936 is replaced by valine, an amino acid with highly similar properties. This amino acid position is conserved. In addition, this alteration is predicted to be tolerated by in silico analysis. Since supporting evidence is limited at this time, the clinical significance of this alteration remains unclear.

Fulgent Genetics
Classification: Uncertain significance for Medulloblastoma; Familial dysautonomia. Last evaluated: 2022-05-12. Review status: criteria provided, single submitter. Criteria: ACMG Guidelines, 2015. Collection method: clinical testing. Allele origin: unknown.

Labcorp Genetics (formerly Invitae), Labcorp
Classification: Uncertain significance. Last evaluated: 2021-08-31. Review status: criteria provided, single submitter. Criteria: Invitae Variant Classification Sherloc (09022015). Collection method: clinical testing. Allele origin: germline.
Comment: This sequence change replaces isoleucine with valine at codon 936 of the ELP1 protein (p.Ile936Val). The isoleucine residue is highly conserved and there is a small physicochemical difference between isoleucine and valine. This variant is not present in population databases (ExAC no frequency). This variant has not been reported in the literature in individuals affected with ELP1-related conditions. Algorithms developed to predict the effect of missense changes on protein structure and function (SIFT, PolyPhen-2, Align-GVGD) all suggest that this variant is likely to be disruptive. In summary, the available evidence is currently insufficient to determine the role of this variant in disease. Therefore, it has been classified as a Variant of Uncertain Significance.

Natera, Inc.
Classification: Uncertain significance for Familial dysautonomia. Last evaluated: 2020-09-16. Review status: no assertion criteria provided. Collection method: clinical testing. Allele origin: germline. Not counted in ClinVar's aggregate classification.

NM_003640.5(ELP1):c.2806A>G (p.Ile936Val)

Gene: ELP1 (elongator acetyltransferase complex subunit 1; minus strand). Cytogenetic location: 9q31.3.
Variant type: single nucleotide variant.
Coding change: c.2806A>G on transcript NM_003640.5 (MANE Select); coding-DNA position 2806, A replaced by G.
Protein change: p.Ile936Val; replaces isoleucine 936 with valine.
Molecular consequence: missense variant.
Genome position (GRCh38, 1-based): chr9:108,893,997, T>C on the plus strand (A>G on the coding strand, the complement: ELP1 is on the minus strand). VCF-style: chr9-108893997-T-C. GRCh37 (hg19) VCF-style: chr9-111656277-T-C.
Other names: c.2806A>G (LRG_251t1); c.2464A>G, p.Ile822Val (NM_001318360.2); c.1759A>G, p.Ile587Val (NM_001330749.2); short protein forms I936V, I822V, I587V.
Identifiers: ClinVar variation 455962 (VCV000455962.6), dbSNP rs1239561807, ClinGen allele CA374418905.